The following is an entry in ClinVar:

ClinVar aggregate classification (germline): Pathogenic. Review status: criteria provided, multiple submitters, no conflicts (2 of 4 stars). 15 submissions from 15 submitters: Pathogenic (11). 4 of the submissions do not count toward it. Last evaluated 2025-02-16.
ClinVar aggregate classification (oncogenicity): Oncogenic (1 of 4 stars; one submission).

Conditions:
Hereditary cancer-predisposing syndrome. Also called: Hereditary neoplastic syndrome; Hereditary Cancer Syndrome; Neoplastic Syndromes, Hereditary; Tumor predisposition. Identifiers: Orphanet 140162, MedGen C0027672, MeSH D009386, MONDO:0015356.
Hereditary breast ovarian cancer syndrome. Also called: Hereditary breast and/or ovarian cancer syndrome; Breast and ovarian cancer; BRCA1- and BRCA2-Associated Hereditary Breast and Ovarian Cancer; Hereditary breast and ovarian cancer syndrome; Hereditary breast and ovarian cancer; Hereditary breast and ovarian cancer syndrome (HBOC). Identifiers: Orphanet 145, MedGen C0677776, MeSH D061325, MONDO:0003582. Disease mechanism: loss of function.
Breast-ovarian cancer, familial, susceptibility to, 2 (BROVCA2). Also called: BRCA2 Hereditary Breast and Ovarian Cancer. Identifiers: Orphanet 145, MedGen C2675520, MONDO:0012933, OMIM 612555. Disease mechanism: loss of function.
Neoplasm. Also called: tumor; Neoplasms; Neoplasm (disease). Identifiers: MedGen C0027651, MeSH D009369, MONDO:0005070, HP:0002664.

Submissions (16):

Center for Genomic Medicine, Rigshospitalet, Copenhagen University Hospital
Classification: Oncogenic for Neoplasm. Last evaluated: 2026-10-16. Review status: criteria provided, single submitter. Criteria: ClinGen/CGC/VICC Guidelines for Oncogenicity, 2022. Collection method: clinical testing. Allele origin: somatic. Affected: yes.

Laboratory of Genetics, Children's Clinical University Hospital Latvia
Classification: Pathogenic. Last evaluated: 2025-02-16. Review status: criteria provided, single submitter. Criteria: ACMG Guidelines, 2015. Collection method: clinical testing. Allele origin: germline. Affected: yes.

Molecular Pathology, Peter Maccallum Cancer Centre
Classification: Pathogenic for Breast-ovarian cancer, familial, susceptibility to, 2. Last evaluated: 2024-11-08. Review status: criteria provided, single submitter. Criteria: ACMG Guidelines, 2015. Collection method: clinical testing. Allele origin: germline. Inheritance: Autosomal dominant inheritance.

Ambry Genetics
Classification: Pathogenic for Hereditary cancer-predisposing syndrome. Last evaluated: 2022-09-06. Review status: criteria provided, single submitter. Criteria: Ambry Variant Classification Scheme 2023. Collection method: clinical testing. Allele origin: germline.
Comment: The c.7617+1G>T intronic pathogenic mutation results from a G to T substitution one nucleotide after coding exon 14 of the BRCA2 gene. This mutation has been reported in two breast and/or ovarian cancer families of Dutch ancestry (van der Hout AH et al. Hum. Mutat., 2006 Jul;27:654-66). Furthermore, RNA analysis of patient lymphoblastoid cell lines using RT-PCR demonstrated that this alteration causes exon skipping in BRCA2 (Ambry internal data; Houdayer C et al. Hum. Mutat., 2012 Aug;33:1228-38). Alterations that disrupt the canonical splice site are expected to cause aberrant splicing, resulting in an abnormal protein or a transcript that is subject to nonsense-mediated mRNA decay. Based on the supporting evidence, this alteration is interpreted as a disease-causing mutation.

Color Diagnostics, LLC DBA Color Health
Classification: Pathogenic for Hereditary cancer-predisposing syndrome. Last evaluated: 2022-02-25. Review status: criteria provided, single submitter. Criteria: ACMG Guidelines, 2015. Collection method: clinical testing. Allele origin: germline.
Comment: This variant causes a G to T nucleotide substitution at the +1 position of intron 15 of the BRCA2 gene. This variant is also known as IVS15+1G>T based on Breast Cancer Information Core (BIC) nomenclature. RNA studies have shown that this variant causes out-of-frame skipping of exon 15, and is expected to create a frameshift and premature translation stop signal and result in an absent or non-functional protein product (PMID: 22505045, 31191615). This variant has been reported in individuals affected with breast and ovarian cancer, and in high-risk hereditary breast and ovarian cancer families (PMID: 16683254, 21120943, 27225819, 31076742, 32454976). This variant has also been identified in 8 families among the CIMBA participants (PMID: 29446198). This variant has not been identified in the general population by the Genome Aggregation Database (gnomAD). Different variants affecting the same splice donor site, c.7617+1G>A and c.7617+1G>C, are known to be disease-causing (ClinVar variation ID: 52362, 246251). Loss of BRCA2 function is a known mechanism of disease. Based on the available evidence, this variant is classified as Pathogenic.

Women's Health and Genetics/Laboratory Corporation of America, LabCorp
Classification: Pathogenic for Hereditary breast and ovarian cancer syndrome. Last evaluated: 2020-10-02. Review status: criteria provided, single submitter. Criteria: LabCorp Variant Classification Summary - May 2015. Collection method: clinical testing. Allele origin: germline.
Comment: Variant summary: BRCA2 c.7617+1G>T is located in a canonical splice-site and is predicted to affect mRNA splicing resulting in a significantly altered protein due to either exon skipping, shortening, or inclusion of intronic material. Several computational tools predict a significant impact on normal splicing: Four predict the variant abolishes a 5' splicing donor site. At least one publication reports experimental evidence that this variant affects mRNA splicing (Houdayer_2012). The variant was absent in 250476 control chromosomes. c.7617+1G>T has been reported in the literature in individuals affected with Hereditary Breast And Ovarian Cancer Syndrome (e.g. vanderHout_2006, Caux-Moncoutier_2011, Favier_2020). These data indicate that the variant is likely to be associated with disease. Five clinical diagnostic laboratories have submitted clinical-significance assessments for this variant to ClinVar after 2014 without evidence for independent evaluation. All laboratories classified the variant as pathogenic/likely pathogenic. Based on the evidence outlined above, the variant was classified as pathogenic.

Labcorp Genetics (formerly Invitae), Labcorp
Classification: Pathogenic for Hereditary breast ovarian cancer syndrome. Last evaluated: 2020-07-07. Review status: criteria provided, single submitter. Criteria: Invitae Variant Classification Sherloc (09022015). Collection method: clinical testing. Allele origin: germline.
Comment: For these reasons, this variant has been classified as Pathogenic. Donor and acceptor splice site variants typically lead to a loss of protein function (PMID: 16199547), and loss-of-function variants in BRCA2 are known to be pathogenic (PMID: 20104584). Experimental studies have shown that this variant disrupts mRNA splicing (PMID: 22505045, 31191615). This variant has been observed in individual(s) with hereditary breast and/or ovarian cancer (PMID: 16683254, 29446198, 21120943). ClinVar contains an entry for this variant (Variation ID: 52363). This variant is not present in population databases (ExAC no frequency). This sequence change affects a donor splice site in intron 15 of the BRCA2 gene. It is expected to disrupt RNA splicing and likely results in an absent or disrupted protein product.

GeneKor MSA
Classification: Pathogenic. Last evaluated: 2017-11-01. Review status: criteria provided, single submitter. Criteria: ACMG Guidelines, 2015. Collection method: clinical testing. Allele origin: germline.

Genome Diagnostics Laboratory, University Medical Center Utrecht
Classification: Pathogenic for Breast-ovarian cancer, familial, susceptibility to, 2. Last evaluated: 2017-07-28. Review status: criteria provided, single submitter. Criteria: ACGS Guidelines, 2013. Collection method: clinical testing. Allele origin: germline. Affected: yes. Study: VKGL Data-share Consensus.

Consortium of Investigators of Modifiers of BRCA1/2 (CIMBA), c/o University of Cambridge
Classification: Pathogenic for Breast-ovarian cancer, familial, susceptibility to, 2. Last evaluated: 2015-10-02. Review status: criteria provided, single submitter. Criteria: CIMBA Mutation Classification guidelines May 2016. Collection method: clinical testing. Allele origin: germline.

Clinical Genetics DNA and cytogenetics Diagnostics Lab, Erasmus MC, Erasmus Medical Center
Classification: Pathogenic for Breast-ovarian cancer, familial, susceptibility to, 2. Last evaluated: 2015-09-21. Review status: criteria provided, single submitter. Criteria: ACGS Guidelines, 2013. Collection method: clinical testing. Allele origin: germline. Affected: yes. Study: VKGL Data-share Consensus.

Imagene.me medical diagnostic laboratory, IMAGENE.ME SA
Classification: Pathogenic for Breast-ovarian cancer, familial, susceptibility to, 2. Review status: criteria provided, single submitter. Criteria: IMAGENE.ME Variant Classification SOP 2022. Collection method: clinical testing. Allele origin: germline.
Comment: Classified according to the IMAGENE.ME variant classification SOP based on the ACMG guidelines as Pathogenic (P): PVS1(RNA) + PM2_Supporting + PS1_Supporting

Clinical Genetics Laboratory, Department of Pathology, Netherlands Cancer Institute
Classification: Pathogenic. Review status: no assertion criteria provided. Collection method: clinical testing. Allele origin: germline. Affected: yes. Study: VKGL Data-share Consensus. Not counted in ClinVar's aggregate classification.

Diagnostic Laboratory, Department of Genetics, University Medical Center Groningen
Classification: Pathogenic for Breast-ovarian cancer, familial, susceptibility to, 2. Review status: no assertion criteria provided. Collection method: clinical testing. Allele origin: germline. Affected: yes. Study: VKGL Data-share Consensus. Not counted in ClinVar's aggregate classification.

Joint Genome Diagnostic Labs from Nijmegen and Maastricht, Radboudumc and MUMC+
Classification: Pathogenic. Review status: no assertion criteria provided. Collection method: clinical testing. Allele origin: germline. Affected: yes. Study: VKGL Data-share Consensus. Not counted in ClinVar's aggregate classification.

Laboratory of Diagnostic Genome Analysis, Leiden University Medical Center (LUMC)
Classification: Pathogenic. Review status: no assertion criteria provided. Collection method: clinical testing. Allele origin: germline. Affected: yes. Study: VKGL Data-share Consensus. Not counted in ClinVar's aggregate classification.

Literature cited by the submitters: PubMed 22505045 (cited by 5 submitters); PubMed 32454976 (cited by 3 submitters); PubMed 21120943 (cited by 4 submitters); PubMed 16683254 (cited by 5 submitters); PubMed 27225819 (cited by Color Diagnostics, LLC DBA Color Health); PubMed 29446198 (cited by Color Diagnostics, LLC DBA Color Health and Labcorp Genetics (formerly Invitae), Labcorp); PubMed 31076742 (cited by Color Diagnostics, LLC DBA Color Health); PubMed 31191615 (cited by Color Diagnostics, LLC DBA Color Health and Labcorp Genetics (formerly Invitae), Labcorp); PubMed 16199547 (cited by Labcorp Genetics (formerly Invitae), Labcorp); PubMed 20104584 (cited by Labcorp Genetics (formerly Invitae), Labcorp).

NM_000059.4(BRCA2):c.7617+1G>T

Gene: BRCA2 (BRCA2 DNA repair associated; plus strand). Cytogenetic location: 13q13.1.
Variant type: single nucleotide variant.
Coding change: c.7617+1G>T on transcript NM_000059.4 (MANE Select); the canonical splice donor site of the intron after coding-DNA position 7617, G replaced by T.
Molecular consequence: splice donor variant.
Genome position (GRCh38, 1-based): chr13:32,356,610, G>T. VCF-style: chr13-32356610-G-T. GRCh37 (hg19) VCF-style: chr13-32930747-G-T.
Other names: c.7617+1G>T (NM_001406720.1); c.7521+1G>T (NM_001406719.1); c.2685+1G>T (NM_001406721.1); c.1200+1G>T (NM_001406722.1).
Identifiers: ClinVar variation 52363 (VCV000052363.27), dbSNP rs397507922, ClinGen allele CA025183.